The following is an entry in ClinVar:

ClinVar aggregate classification (germline): Uncertain significance (1 of 4 stars; one submission).

Submission:

Mayo Clinic Laboratories, Mayo Clinic
Classification: Uncertain significance. Last evaluated: 2025-09-26. Review status: criteria provided, single submitter. Criteria: ACMG Guidelines, 2015. Collection method: clinical testing. Allele origin: germline. Observed: 1 variant allele.
Comment: BP4_moderate, PM2_supporting

NM_003047.5(SLC9A1):c.91G>T (p.Val31Phe)

Gene: SLC9A1 (solute carrier family 9 member A1; minus strand). Cytogenetic location: 1p36.11.
Variant type: single nucleotide variant.
Coding change: c.91G>T on transcript NM_003047.5 (MANE Select); coding-DNA position 91, G replaced by T.
Protein change: p.Val31Phe; replaces valine 31 with phenylalanine.
Molecular consequence: missense variant. On other transcripts: non-coding transcript variant (1).
Genome position (GRCh38, 1-based): chr1:27,154,244, C>A on the plus strand (G>T on the coding strand, the complement: SLC9A1 is on the minus strand). VCF-style: chr1-27154244-C-A. GRCh37 (hg19) VCF-style: chr1-27480735-C-A.
Other names: p.Val31Phe; short protein forms V31F.
Identifiers: ClinVar variation 4540951 (VCV004540951.1).
Genomic context (GRCh38, chr1:27,154,244, plus strand): 5'-GCTCTGAGCTTCGAATGGTGCTGGCAGTTGGGCTGAGCTGGAGGCCATGGCTCCTGAGAA[C>A]AGGCAGCAGCCCCACCAAAGCAACCACCACGAGTAAGGAAGGGAAGATCCGATGTGGAGA-3'
Protein context (NP_003038.2, residues 21-41): VVVALVGLLP[Val31Phe]LRSHGLQLSP